The following is an entry in ClinVar:

NM_198428.3(BBS9):c.83C>T (p.Ala28Val)

Gene: BBS9 (Bardet-Biedl syndrome 9; plus strand). Cytogenetic location: 7p14.3.
Variant type: single nucleotide variant.
Coding change: c.83C>T on transcript NM_198428.3 (MANE Select); coding-DNA position 83, C replaced by T.
Protein change: p.Ala28Val; replaces alanine 28 with valine.
Molecular consequence: missense variant. On other transcripts: 5 prime UTR variant (3), non-coding transcript variant (3), intron variant (4).
Genome position (GRCh38, 1-based): chr7:33,146,335, C>T. VCF-style: chr7-33146335-C-T. GRCh37 (hg19) VCF-style: chr7-33185947-C-T.
Other names: c.83C>T, p.Ala28Val (NM_001033604.2, NM_001033605.2, NM_001348036.1 and 5 more transcripts); c.-219C>T (NM_001348037.3); c.-195C>T (NM_001348038.3, NM_001348039.3); c.-23-6366C>T (NM_001348042.3); c.-189-6366C>T (NM_001348045.3); c.-39+16294C>T (NM_001348046.3, NM_001348044.3); short protein forms A28V.
Identifiers: ClinVar variation 938892 (VCV000938892.9), dbSNP rs1792337794, ClinGen allele CA367189398.

ClinVar aggregate classification (germline): Uncertain significance (1 of 4 stars; one submission).

Conditions:
Bardet-Biedl syndrome (BBS). Identifiers: Orphanet 110, MedGen C0752166, MONDO:0015229.

Submission:

Labcorp Genetics (formerly Invitae), Labcorp
Classification: Uncertain significance for Bardet-Biedl syndrome. Last evaluated: 2019-10-15. Review status: criteria provided, single submitter. Criteria: Invitae Variant Classification Sherloc (09022015). Collection method: clinical testing. Allele origin: germline.
Comment: In summary, the available evidence is currently insufficient to determine the role of this variant in disease. Therefore, it has been classified as a Variant of Uncertain Significance. Algorithms developed to predict the effect of sequence changes on RNA splicing suggest that this variant may create or strengthen a splice site, but this prediction has not been confirmed by published transcriptional studies. Algorithms developed to predict the effect of missense changes on protein structure and function (SIFT, PolyPhen-2, Align-GVGD) all suggest that this variant is likely to be disruptive, but these predictions have not been confirmed by published functional studies and their clinical significance is uncertain. This variant has not been reported in the literature in individuals with BBS9-related conditions. This variant is not present in population databases (ExAC no frequency). This sequence change replaces alanine with valine at codon 28 of the BBS9 protein (p.Ala28Val). The alanine residue is highly conserved and there is a small physicochemical difference between alanine and valine.